The following is an entry in ClinVar:

NM_012434.5(SLC17A5):c.458_460delinsATCTAAGTGT (p.Thr153fs)

Gene: SLC17A5 (solute carrier family 17 member 5; minus strand). Cytogenetic location: 6q13.
Variant type: Indel.
Coding change: c.458_460delinsATCTAAGTGT on transcript NM_012434.5 (MANE Select); coding-DNA positions 458 to 460, CTC replaced by ATCTAAGTGT.
Protein change: p.Thr153fs; shifts the reading frame from threonine 153.
Molecular consequence: frameshift variant.
Genome position (GRCh38, 1-based): chr6:73,641,756-73,641,758, GAG replaced by ACACTTAGAT on the plus strand (CTC replaced by ATCTAAGTGT on the coding strand, the reverse complement: SLC17A5 is on the minus strand). VCF-style: chr6-73641756-GAG-ACACTTAGAT. GRCh37 (hg19) VCF-style: chr6-74351479-GAG-ACACTTAGAT.
Other names: c.227_229delinsATCTAAGTGT, p.Thr76fs (NM_001382629.1, NM_001382636.1); c.458_460delinsATCTAAGTGT, p.Thr153fs (NM_001382630.1, NM_001382632.1, NM_001382633.1 and 2 more transcripts); c.479_481delinsATCTAAGTGT, p.Thr160fs (NM_001382631.1); short protein forms T153fs, T160fs, T76fs.
Identifiers: ClinVar variation 1724131 (VCV001724131.3), dbSNP rs2533510735, ClinGen allele CA2580075794.

ClinVar aggregate classification (germline): Likely pathogenic (1 of 4 stars; one submission).

Conditions:
Sialic acid storage disease, severe infantile type (ISSD). Also called: INFANTILE SIALIC ACID STORAGE DISORDER; N-ACETYLNEURAMINIC ACID STORAGE DISEASE; NANA STORAGE DISEASE; SIALURIA, INFANTILE FORM; Infantile Sialic Acid Storage Disease; Free sialic acid storage disease, infantile form. Identifiers: Orphanet 309324, Orphanet 834, MedGen C1096902, MONDO:0010027, OMIM 269920.

Submission:

Myriad Genetics, Inc.
Classification: Likely pathogenic for Sialic acid storage disease, severe infantile type. Last evaluated: 2022-01-27. Review status: criteria provided, single submitter. Criteria: Myriad Autosomal Dominant, Autosomal Recessive and X-Linked Classification Criteria (2023). Collection method: clinical testing. Allele origin: unknown.
Comment: NM_012434.4(SLC17A5):c.458_460del3ins10(T153Nfs*44) is expected to be pathogenic in the context of free sialic acid storage disorders. This variant is predicted to lead to an abnormal or absent protein product due to the creation of a premature termination codon in SLC17A5, a gene where loss-of-function variants are known to be pathogenic. Please note: this variant was assessed in the context of healthy population screening.